The following is an entry in ClinVar:

ClinVar aggregate classification (germline): Likely benign. Review status: criteria provided, single submitter (1 of 4 stars). 2 submissions from 2 submitters: Likely benign (1). 1 of the submissions does not count toward it. Last evaluated 2026-08-01.

Conditions:
KDM5A-related disorder. Also called: KDM5A-related condition.

Allele frequency attached by ClinVar (database versions not stated): gnomAD exomes 0.00165; 1000 Genomes Project 30x 0.00016; 1000 Genomes Project 0.00020; TOPMed 0.00080; gnomAD 0.00088; ESP Exome Variant Server 0.00093; ExAC 0.00094.
gnomAD v4.1: 2,515 of 1,612,194 alleles (0.16%); highest among the groups gnomAD compares: Non-Finnish European, 0.19%; 5 homozygotes.

Submissions (6):

CeGaT Center for Human Genetics Tuebingen
Classification: Likely benign. Last evaluated: 2026-08-01. Review status: criteria provided, single submitter. Criteria: CeGaT Center For Human Genetics Tuebingen Variant Classification Criteria Version 2. Collection method: clinical testing. Allele origin: germline. Affected: yes. Observed: 2 variant alleles.
Comment: KDM5A: BS2

PreventionGenetics, part of Exact Sciences
Classification: Likely benign for KDM5A-related condition. Last evaluated: 2022-04-06. Review status: no assertion criteria provided. Collection method: clinical testing. Allele origin: germline. Not counted in ClinVar's aggregate classification.
Comment: This variant is classified as likely benign based on ACMG/AMP sequence variant interpretation guidelines (Richards et al. 2015 PMID: 25741868, with internal and published modifications).

Dr. Peter K. Rogan Lab, Western University
No classification provided (evidence only). Condition: Familial cancer of breast. Review status: no classification provided. Collection method: in vitro. Allele origin: not applicable. Functional consequence: retained intron. Not counted in ClinVar's aggregate classification.

Dr. Peter K. Rogan Lab, Western University
No classification provided (evidence only). Condition: Acute myeloid leukemia. Review status: no classification provided. Collection method: in vitro. Allele origin: not applicable. Functional consequence: retained intron. Not counted in ClinVar's aggregate classification.

Dr. Peter K. Rogan Lab, Western University
No classification provided (evidence only). Condition: Colon adenocarcinoma. Review status: no classification provided. Collection method: in vitro. Allele origin: not applicable. Functional consequence: retained intron. Not counted in ClinVar's aggregate classification.

Dr. Peter K. Rogan Lab, Western University
No classification provided (evidence only). Condition: Sarcoma. Review status: no classification provided. Collection method: in vitro. Allele origin: not applicable. Functional consequence: retained intron. Not counted in ClinVar's aggregate classification.

NM_001042603.3(KDM5A):c.1136A>G (p.Asn379Ser)

Gene: KDM5A (lysine demethylase 5A; minus strand). Cytogenetic location: 12p13.33.
Variant type: single nucleotide variant.
Coding change: c.1136A>G on transcript NM_001042603.3 (MANE Select); coding-DNA position 1136, A replaced by G.
Protein change: p.Asn379Ser; replaces asparagine 379 with serine.
Molecular consequence: missense variant.
Genome position (GRCh38, 1-based): chr12:352,218, T>C on the plus strand (A>G on the coding strand, the complement: KDM5A is on the minus strand). VCF-style: chr12-352218-T-C. GRCh37 (hg19) VCF-style: chr12-461384-T-C.
Other names: NC_000012.11:g.461384T>C; short protein forms N379S.
Identifiers: ClinVar variation 3037632 (VCV003037632.7), dbSNP rs201675393, ClinGen allele CA6379427.